The following is an entry in ClinVar:

ClinVar aggregate classification (germline): Uncertain significance (1 of 4 stars; one submission).

Conditions:
Early-infantile DEE. Also called: Early infantile epileptic encephalopathy with suppression bursts; Ohtahara syndrome; Early infantile epileptic encephalopathy. Identifiers: Orphanet 1934, MedGen C0393706, MONDO:0800491.

Submission:

Labcorp Genetics (formerly Invitae), Labcorp
Classification: Uncertain significance for Early-infantile DEE. Last evaluated: 2023-12-04. Review status: criteria provided, single submitter. Criteria: Invitae Variant Classification Sherloc (09022015). Collection method: clinical testing. Allele origin: germline.
Comment: This sequence change replaces isoleucine, which is neutral and non-polar, with valine, which is neutral and non-polar, at codon 515 of the HCN1 protein (p.Ile515Val). This variant is not present in population databases (gnomAD no frequency). This variant has not been reported in the literature in individuals affected with HCN1-related conditions. Advanced modeling of protein sequence and biophysical properties (such as structural, functional, and spatial information, amino acid conservation, physicochemical variation, residue mobility, and thermodynamic stability) performed at Invitae indicates that this missense variant is expected to disrupt HCN1 protein function with a positive predictive value of 80%. In summary, the available evidence is currently insufficient to determine the role of this variant in disease. Therefore, it has been classified as a Variant of Uncertain Significance.

NM_021072.4(HCN1):c.1543A>G (p.Ile515Val)

Gene: HCN1 (hyperpolarization activated cyclic nucleotide gated potassium channel 1; minus strand). Cytogenetic location: 5p12.
Variant type: single nucleotide variant.
Coding change: c.1543A>G on transcript NM_021072.4 (MANE Select); coding-DNA position 1543, A replaced by G.
Protein change: p.Ile515Val; replaces isoleucine 515 with valine.
Molecular consequence: missense variant.
Genome position (GRCh38, 1-based): chr5:45,303,674, T>C on the plus strand (A>G on the coding strand, the complement: HCN1 is on the minus strand). VCF-style: chr5-45303674-T-C. GRCh37 (hg19) VCF-style: chr5-45303776-T-C.
Other names: short protein forms I515V.
Identifiers: ClinVar variation 3002179 (VCV003002179.3), dbSNP rs2478271706, ClinGen allele CA359702486.